The following is an entry in ClinVar:

NM_006734.4(HIVEP2):c.6667C>T (p.Arg2223Ter)

Gene: HIVEP2 (HIVEP zinc finger 2; minus strand). Cytogenetic location: 6q24.2.
Variant type: single nucleotide variant.
Coding change: c.6667C>T on transcript NM_006734.4 (MANE Select); coding-DNA position 6667, C replaced by T.
Protein change: p.Arg2223Ter; replaces arginine 2223 with a stop codon.
Molecular consequence: nonsense.
Genome position (GRCh38, 1-based): chr6:142,753,781, G>A on the plus strand (C>T on the coding strand, the complement: HIVEP2 is on the minus strand). VCF-style: chr6-142753781-G-A. GRCh37 (hg19) VCF-style: chr6-143074918-G-A.
Other names: short protein forms R2223*.
Identifiers: ClinVar variation 620226 (VCV000620226.9), dbSNP rs1562493608, ClinGen allele CA365941984.

ClinVar aggregate classification (germline): Pathogenic. Review status: criteria provided, multiple submitters, no conflicts (2 of 4 stars). 4 submissions from 4 submitters: Pathogenic (4). Last evaluated 2026-06-01.

Conditions:
HIVEP2-related disorder. Also called: HIVEP2-related condition.
Intellectual developmental disorder, autosomal dominant 43. Also called: Intellectual disability, autosomal dominant 43. Identifiers: MedGen C4707429, MONDO:0014858, OMIM 616977.

Submissions (4):

CeGaT Center for Human Genetics Tuebingen
Classification: Pathogenic. Last evaluated: 2026-06-01. Review status: criteria provided, single submitter. Criteria: CeGaT Center For Human Genetics Tuebingen Variant Classification Criteria Version 2. Collection method: clinical testing. Allele origin: germline. Affected: yes. Observed: 1 variant allele.
Comment: HIVEP2: PS2, PM2, PS4:Moderate, PVS1:Moderate

PreventionGenetics, part of Exact Sciences
Classification: Pathogenic for HIVEP2-related condition. Last evaluated: 2026-01-14. Review status: criteria provided, single submitter. Criteria: ACMG Guidelines, 2015. Collection method: clinical testing. Allele origin: germline.
Comment: The HIVEP2 c.6667C>T variant is predicted to result in premature protein termination (p.Arg2223*). This variant was reported de novo in multiple individuals with Intellectual disability/developmental delay (Park et al. 2019. PubMed ID: 31602191; Quental et al. 2022. PubMed ID: 36588750). This variant has not been reported in a large population database (gnomAD), indicating this variant is rare. Nonsense variants in HIVEP2 are expected to be pathogenic. This variant is interpreted as pathogenic.

Clinical Genetics Laboratory, Skane University Hospital Lund
Classification: Pathogenic. Last evaluated: 2022-07-14. Review status: criteria provided, single submitter. Criteria: ACMG Guidelines, 2015. Collection method: clinical testing. Allele origin: germline. Affected: yes.

GeneDx
Classification: Pathogenic. Last evaluated: 2022-01-24. Review status: criteria provided, single submitter. Criteria: GeneDx Variant Classification Process June 2021. Collection method: clinical testing. Allele origin: germline. Affected: yes.
Comment: Nonsense variant in the C-terminus predicted to result in protein truncation, as the last 224 amino acids are lost, and other loss-of-function variants have been reported downstream in HGMD; Not observed at significant frequency in large population cohorts (gnomAD); This variant is associated with the following publications: (PMID: 34704275, 31602191)